The following is an entry in ClinVar:

NM_020458.4(TTC7A):c.2497G>A (p.Val833Ile)

Gene: TTC7A (tetratricopeptide repeat domain 7A; plus strand). Cytogenetic location: 2p21.
Variant type: single nucleotide variant.
Coding change: c.2497G>A on transcript NM_020458.4 (MANE Select); coding-DNA position 2497, G replaced by A.
Protein change: p.Val833Ile; replaces valine 833 with isoleucine.
Molecular consequence: missense variant.
Genome position (GRCh38, 1-based): chr2:47,073,843, G>A. VCF-style: chr2-47073843-G-A. GRCh37 (hg19) VCF-style: chr2-47300982-G-A.
Other names: c.2569G>A, p.Val857Ile (NM_001288951.2); c.2395G>A, p.Val799Ile (NM_001288953.2); c.1435G>A, p.Val479Ile (NM_001288955.2); short protein forms V833I, V857I, V479I, V799I.
Identifiers: ClinVar variation 2189338 (VCV002189338.1), dbSNP rs1195221566, ClinGen allele CA346718054.

ClinVar aggregate classification (germline): Uncertain significance (1 of 4 stars; one submission).

Conditions:
Multiple gastrointestinal atresias. Also called: FAMILIAL INTESTINAL POLYATRESIA SYNDROME; Multiple intestinal atresia. Identifiers: Orphanet 2300, MedGen C0220744, MONDO:0009465.

Allele frequency attached by ClinVar (database versions not stated): gnomAD 0.00001; gnomAD exomes 0.00001.
gnomAD v4.1: 12 of 1,613,656 alleles (0.00074%); highest among the groups gnomAD compares: South Asian, 0.0033%; no homozygotes.

Submission:

Labcorp Genetics (formerly Invitae), Labcorp
Classification: Uncertain significance for Multiple gastrointestinal atresias. Last evaluated: 2021-12-31. Review status: criteria provided, single submitter. Criteria: Invitae Variant Classification Sherloc (09022015). Collection method: clinical testing. Allele origin: germline.
Comment: This sequence change replaces valine, which is neutral and non-polar, with isoleucine, which is neutral and non-polar, at codon 833 of the TTC7A protein (p.Val833Ile). The frequency data for this variant in the population databases is considered unreliable, as metrics indicate poor data quality at this position in the gnomAD database. This variant has not been reported in the literature in individuals affected with TTC7A-related conditions. Algorithms developed to predict the effect of missense changes on protein structure and function output the following: SIFT: "Tolerated"; PolyPhen-2: "Benign"; Align-GVGD: "Class C0". The isoleucine amino acid residue is found in multiple mammalian species, which suggests that this missense change does not adversely affect protein function. In summary, the available evidence is currently insufficient to determine the role of this variant in disease. Therefore, it has been classified as a Variant of Uncertain Significance.